The following is an entry in ClinVar:

ClinVar aggregate classification (germline): Uncertain significance (1 of 4 stars; one submission).

gnomAD v4.1: 2 of 1,614,084 alleles (0.00012%); highest among the groups gnomAD compares: Non-Finnish European, 0.00017%; no homozygotes.

Submission:

Mayo Clinic Laboratories, Mayo Clinic
Classification: Uncertain significance. Last evaluated: 2025-04-16. Review status: criteria provided, single submitter. Criteria: ACMG Guidelines, 2015. Collection method: clinical testing. Allele origin: germline. Observed: 1 variant allele.
Comment: PP3, PM2_supporting

Literature cited by the submitters: PubMed 33074480.

NM_001355436.2(SPTB):c.866G>A (p.Arg289His)

Gene: SPTB (spectrin beta, erythrocytic; minus strand). Cytogenetic location: 14q23.3.
Variant type: single nucleotide variant.
Coding change: c.866G>A on transcript NM_001355436.2 (MANE Select); coding-DNA position 866, G replaced by A.
Protein change: p.Arg289His; replaces arginine 289 with histidine.
Molecular consequence: missense variant.
Genome position (GRCh38, 1-based): chr14:64,800,766, C>T on the plus strand (G>A on the coding strand, the complement: SPTB is on the minus strand). VCF-style: chr14-64800766-C-T. GRCh37 (hg19) VCF-style: chr14-65267484-C-T.
Other names: p.Arg289His; c.866G>A, p.Arg289His (NM_001024858.4, NM_001355437.2); short protein forms R289H.
Identifiers: ClinVar variation 4541867 (VCV004541867.1).
Genomic context (GRCh38, chr14:64,800,766, plus strand): 5'-ACCTGACAAACAGGGGAAGAGTGACACTTTGGTTCCAAAACAGCTTGTACCTTGCCGACA[C>T]GCTTGCCCTCCACTGCCAGCACCTTCATCTTGGAGAAGTAGTGGTAAAAGGCCACCACAT-3'
Protein context (NP_001342365.1, residues 279-299): KMKVLAVEGK[Arg289His]VGKVIDHAIE